The following is an entry in ClinVar:

ClinVar aggregate classification (germline): Uncertain significance. Review status: criteria provided, multiple submitters, no conflicts (2 of 4 stars). 2 submissions from 2 submitters: Uncertain significance (2). Last evaluated 2024-08-12.

Conditions:
Developmental and epileptic encephalopathy. Identifiers: MedGen C5779964, MONDO:0100620.
Inborn genetic diseases. Identifiers: MedGen C0950123, MeSH D030342.

Allele frequency attached by ClinVar (database versions not stated): ExAC 0.00002; gnomAD 0.00002; gnomAD exomes 0.00002; TOPMed 0.00003.
gnomAD v4.1: 53 of 1,614,012 alleles (0.0033%); highest among the groups gnomAD compares: African/African-American, 0.019%; no homozygotes.

Submissions (2):

Labcorp Genetics (formerly Invitae), Labcorp
Classification: Uncertain significance for Early-infantile DEE. Last evaluated: 2024-08-12. Review status: criteria provided, single submitter. Criteria: Invitae Variant Classification Sherloc (09022015). Collection method: clinical testing. Allele origin: germline.
Comment: This sequence change replaces arginine, which is basic and polar, with glutamine, which is neutral and polar, at codon 216 of the ST3GAL3 protein (p.Arg216Gln). This variant is present in population databases (rs368686769, gnomAD 0.003%). This variant has not been reported in the literature in individuals affected with ST3GAL3-related conditions. ClinVar contains an entry for this variant (Variation ID: 843147). Advanced modeling of protein sequence and biophysical properties (such as structural, functional, and spatial information, amino acid conservation, physicochemical variation, residue mobility, and thermodynamic stability) performed at Invitae indicates that this missense variant is not expected to disrupt ST3GAL3 protein function with a negative predictive value of 80%. In summary, the available evidence is currently insufficient to determine the role of this variant in disease. Therefore, it has been classified as a Variant of Uncertain Significance.

Ambry Genetics
Classification: Uncertain significance for Inborn genetic diseases. Last evaluated: 2019-06-07. Review status: criteria provided, single submitter. Criteria: Ambry Variant Classification Scheme 2023. Collection method: clinical testing. Allele origin: germline.
Comment: The p.R216Q variant (also known as c.647G>A), located in coding exon 8 of the ST3GAL3 gene, results from a G to A substitution at nucleotide position 647. The arginine at codon 216 is replaced by glutamine, an amino acid with highly similar properties. This amino acid position is not well conserved in available vertebrate species. In addition, this alteration is predicted to be tolerated by in silico analysis. Since supporting evidence is limited at this time, the clinical significance of this alteration remains unclear.

NM_006279.5(ST3GAL3):c.647G>A (p.Arg216Gln)

Gene: ST3GAL3 (ST3 beta-galactoside alpha-2,3-sialyltransferase 3; plus strand). Cytogenetic location: 1p34.1.
Variant type: single nucleotide variant.
Coding change: c.647G>A on transcript NM_006279.5 (MANE Select); coding-DNA position 647, G replaced by A.
Protein change: p.Arg216Gln; replaces arginine 216 with glutamine.
Molecular consequence: missense variant. On other transcripts: intron variant (7), non-coding transcript variant (5).
Genome position (GRCh38, 1-based): chr1:43,899,630, G>A. VCF-style: chr1-43899630-G-A. GRCh37 (hg19) VCF-style: chr1-44365302-G-A.
Other names: c.397+5153G>A (NM_174967.4); c.509+367G>A (NM_001270464.3); c.349+5153G>A (NM_174970.4); c.255-30502G>A (NM_001270466.3); c.647G>A, p.Arg216Gln (NM_001270459.2, NM_001350620.2, NM_174966.4); c.554G>A, p.Arg185Gln (NM_001270460.2); c.599G>A, p.Arg200Gln (NM_001270461.3, NM_174969.4); c.506G>A, p.Arg169Gln (NM_001270462.3); and 8 more; short protein forms R169Q, R216Q, R231Q, R254Q, R270Q, R123Q, R185Q, R200Q.
Identifiers: ClinVar variation 843147 (VCV000843147.10), dbSNP rs368686769, ClinGen allele CA814770.